The following is an entry in ClinVar:

ClinVar aggregate classification (germline): Likely benign (0 of 4 stars; one submission).

Conditions:
DAO-related disorder. Also called: DAO-related condition.

Allele frequency attached by ClinVar (database versions not stated): ExAC 0.00002; gnomAD 0.00002; 1000 Genomes Project 30x 0.00016; 1000 Genomes Project 0.00020.
gnomAD v4.1: 151 of 1,614,132 alleles (0.0094%); highest among the groups gnomAD compares: Non-Finnish European, 0.013%; no homozygotes.

Submission:

PreventionGenetics, part of Exact Sciences
Classification: Likely benign for DAO-related condition. Last evaluated: 2022-10-03. Review status: no assertion criteria provided. Collection method: clinical testing. Allele origin: germline.
Comment: This variant is classified as likely benign based on ACMG/AMP sequence variant interpretation guidelines (Richards et al. 2015 PMID: 25741868, with internal and published modifications).

NM_001917.5(DAO):c.24A>T (p.Ala8=)

Gene: DAO (D-amino acid oxidase; plus strand). Cytogenetic location: 12q24.11.
Variant type: single nucleotide variant.
Coding change: c.24A>T on transcript NM_001917.5 (MANE Select); coding-DNA position 24, A replaced by T.
Protein change: p.Ala8=; no amino-acid change (alanine 8 retained).
Molecular consequence: synonymous variant.
Genome position (GRCh38, 1-based): chr12:108,885,030, A>T. VCF-style: chr12-108885030-A-T. GRCh37 (hg19) VCF-style: chr12-109278806-A-T.
Other names: c.24A>T, p.Ala8= (NM_001413634.1, NM_001413635.1).
Identifiers: ClinVar variation 3030052 (VCV003030052.2), dbSNP rs181080261, ClinGen allele CA6770938.